The following is an entry in ClinVar:

NM_005529.7(HSPG2):c.6841C>T (p.Arg2281Cys)

Genes: HSPG2 (heparan sulfate proteoglycan 2; minus strand), LOC126805655 (CDK7 strongly-dependent group 2 enhancer GRCh37_chr1:22178409-22179608; plus strand). Cytogenetic location: 1p36.12.
Variant type: single nucleotide variant.
Coding change: c.6841C>T on transcript NM_005529.7 (MANE Select); coding-DNA position 6841, C replaced by T.
Protein change: p.Arg2281Cys; replaces arginine 2281 with cysteine.
Molecular consequence: missense variant.
Genome position (GRCh38, 1-based): chr1:21,852,117, G>A on the plus strand (C>T on the coding strand, the complement: HSPG2 is on the minus strand). VCF-style: chr1-21852117-G-A. GRCh37 (hg19) VCF-style: chr1-22178610-G-A.
Other names: c.6844C>T, p.Arg2282Cys (NM_001291860.2); c.6841C>T (NM_005529.5); short protein forms R2281C, R2282C.
Identifiers: ClinVar variation 1478738 (VCV001478738.8), dbSNP rs1052887133, ClinGen allele CA19118886.

ClinVar aggregate classification (germline): Uncertain significance. Review status: criteria provided, multiple submitters, no conflicts (2 of 4 stars). 2 submissions from 2 submitters: Uncertain significance (2). Last evaluated 2024-10-15.

Conditions:
Inborn genetic diseases. Identifiers: MedGen C0950123, MeSH D030342.

Allele frequency attached by ClinVar (database versions not stated): TOPMed 0.00005; gnomAD exomes below 0.00001; gnomAD 0.00001.
gnomAD v4.1: 14 of 1,613,622 alleles (0.00087%); highest among the groups gnomAD compares: East Asian, 0.0022%; no homozygotes.

Submissions (2):

Labcorp Genetics (formerly Invitae), Labcorp
Classification: Uncertain significance. Last evaluated: 2024-10-15. Review status: criteria provided, single submitter. Criteria: Invitae Variant Classification Sherloc (09022015). Collection method: clinical testing. Allele origin: germline.
Comment: This sequence change replaces arginine, which is basic and polar, with cysteine, which is neutral and slightly polar, at codon 2281 of the HSPG2 protein (p.Arg2281Cys). This variant is present in population databases (no rsID available, gnomAD 0.004%). This variant has not been reported in the literature in individuals affected with HSPG2-related conditions. ClinVar contains an entry for this variant (Variation ID: 1478738). An algorithm developed to predict the effect of missense changes on protein structure and function (PolyPhen-2) suggests that this variant is likely to be disruptive. In summary, the available evidence is currently insufficient to determine the role of this variant in disease. Therefore, it has been classified as a Variant of Uncertain Significance.

Ambry Genetics
Classification: Uncertain significance for Inborn genetic diseases. Last evaluated: 2023-12-14. Review status: criteria provided, single submitter. Criteria: Ambry Variant Classification Scheme 2023. Collection method: clinical testing. Allele origin: germline.